The following is an entry in ClinVar:

NC_000020.10:g.(?_32981618)_(33095599_?)del

Gene: ITCH (itchy E3 ubiquitin protein ligase; plus strand). Cytogenetic location: 20q11.22.
Variant type: Deletion.
Identifiers: ClinVar variation 3248292 (VCV003248292.1).

ClinVar aggregate classification (germline): Pathogenic (1 of 4 stars; one submission).

Conditions:
Syndromic multisystem autoimmune disease due to ITCH deficiency. Also called: AUTOIMMUNE DISEASE, MULTISYSTEM, WITH FACIAL DYSMORPHISM. Identifiers: Orphanet 228426, MedGen C3150649, MONDO:0013245, OMIM 613385.

Submission:

Labcorp Genetics (formerly Invitae), Labcorp
Classification: Pathogenic for Syndromic multisystem autoimmune disease due to ITCH deficiency. Last evaluated: 2023-07-18. Review status: criteria provided, single submitter. Criteria: Invitae Variant Classification Sherloc (09022015). Collection method: clinical testing. Allele origin: unknown.
Comment: For these reasons, this variant has been classified as Pathogenic. This variant has not been reported in the literature in individuals affected with ITCH-related conditions. A gross deletion of the genomic region encompassing the full coding sequence of the ITCH gene has been identified. Loss-of-function variants in ITCH are known to be pathogenic (PMID: 20170897). The boundaries of this event are unknown as they extend beyond the assayed region for this gene and therefore may encompass additional genes.

Literature cited by the submitters: PubMed 20170897.